The following is an entry in ClinVar:

ClinVar aggregate classification (germline): Uncertain significance (1 of 4 stars; one submission).

Conditions:
Catecholaminergic polymorphic ventricular tachycardia (CVPT). Also called: Catecholamine-induced polymorphic ventricular tachycardia. Identifiers: Orphanet 3286, MedGen C5574922, MONDO:0017990.

gnomAD v4.1: 1 of 1,594,876 alleles (0.000063%); highest among the groups gnomAD compares: Admixed American, 0.0018%; no homozygotes.

Submission:

All of Us Research Program, National Institutes of Health
Classification: Uncertain significance for Catecholaminergic polymorphic ventricular tachycardia. Last evaluated: 2024-09-23. Review status: criteria provided, single submitter. Criteria: ACMG Guidelines, 2015. Collection method: clinical testing. Allele origin: germline. Inheritance: Autosomal dominant inheritance. Observed: 1 variant allele, 1 heterozygote.
Comment: This study involves interpretation of variants in research participants for the purpose of population health screening. Participant phenotype was not available at the time of variant classification. Additional details can be found in publication PMID: 35346344, PMCID: PMC8962531

NM_001035.3(RYR2):c.13573T>G (p.Ser4525Ala)

Gene: RYR2 (ryanodine receptor 2; plus strand). Cytogenetic location: 1q43.
Variant type: single nucleotide variant.
Coding change: c.13573T>G on transcript NM_001035.3 (MANE Select); coding-DNA position 13573, T replaced by G.
Protein change: p.Ser4525Ala; replaces serine 4525 with alanine.
Molecular consequence: missense variant.
Genome position (GRCh38, 1-based): chr1:237,792,114, T>G. VCF-style: chr1-237792114-T-G. GRCh37 (hg19) VCF-style: chr1-237955414-T-G.
Other names: short protein forms S4525A.
Identifiers: ClinVar variation 3385866 (VCV003385866.1).